The following is an entry in ClinVar:

ClinVar aggregate classification (germline): Uncertain significance (1 of 4 stars; one submission).

Submission:

Women's Health and Genetics/Laboratory Corporation of America, LabCorp
Classification: Uncertain significance. Last evaluated: 2024-01-31. Review status: criteria provided, single submitter. Criteria: LabCorp Variant Classification Summary - May 2015. Collection method: clinical testing. Allele origin: germline.
Comment: Variant summary: CDK13 c.1702A>C (p.Ser568Arg) results in a non-conservative amino acid change in the encoded protein sequence. Three of five in-silico tools predict a benign effect of the variant on protein function. The variant was absent in 251420 control chromosomes. The available data on variant occurrences in the general population are insufficient to allow any conclusion about variant significance. To our knowledge, no occurrence of c.1702A>C in individuals affected with Congenital Heart Defects, Dysmorphic Facial Features, And Intellectual Developmental Disorder and no experimental evidence demonstrating its impact on protein function have been reported. No submitters have cited clinical-significance assessments for this variant to ClinVar. Based on the evidence outlined above, the variant was classified as uncertain significance.

NM_003718.5(CDK13):c.1702A>C (p.Ser568Arg)

Gene: CDK13 (cyclin dependent kinase 13; plus strand). Cytogenetic location: 7p14.1.
Variant type: single nucleotide variant.
Coding change: c.1702A>C on transcript NM_003718.5 (MANE Select); coding-DNA position 1702, A replaced by C.
Protein change: p.Ser568Arg; replaces serine 568 with arginine.
Molecular consequence: missense variant.
Genome position (GRCh38, 1-based): chr7:39,988,089, A>C. VCF-style: chr7-39988089-A-C. GRCh37 (hg19) VCF-style: chr7-40027688-A-C.
Other names: c.1702A>C, p.Ser568Arg (NM_031267.4); short protein forms S568R.
Identifiers: ClinVar variation 3063735 (VCV003063735.1), dbSNP rs776004739, ClinGen allele CA367284150.